The following is an entry in ClinVar:

ClinVar aggregate classification (germline): Uncertain significance. Review status: criteria provided, multiple submitters, no conflicts (2 of 4 stars). 4 submissions from 4 submitters: Uncertain significance (2). 2 of the submissions do not count toward it. Last evaluated 2025-09-07.

Conditions:
VPS13B-related disorder. Also called: VPS13B-related condition.
Cohen syndrome (COH1). Also called: PEPPER SYNDROME; Cutis verticis gyrata, retinitis pigmentosa, and sensorineural deafness. Identifiers: Orphanet 193, MedGen C0265223, MONDO:0008999, OMIM 216550.

Allele frequency attached by ClinVar (database versions not stated): gnomAD exomes below 0.00001; gnomAD 0.00002; TOPMed 0.00002.
gnomAD v4.1: 23 of 1,613,764 alleles (0.0014%); highest among the groups gnomAD compares: Middle Eastern, 0.016%; no homozygotes.

Submissions (4):

Labcorp Genetics (formerly Invitae), Labcorp
Classification: Uncertain significance for Cohen syndrome. Last evaluated: 2025-09-07. Review status: criteria provided, single submitter. Criteria: Invitae Variant Classification Sherloc (09022015). Collection method: clinical testing. Allele origin: germline.
Comment: This sequence change replaces aspartic acid, which is acidic and polar, with glycine, which is neutral and non-polar, at codon 1231 of the VPS13B protein (p.Asp1231Gly). This variant is present in population databases (no rsID available, gnomAD 0.0009%). This variant has not been reported in the literature in individuals affected with VPS13B-related conditions. ClinVar contains an entry for this variant (Variation ID: 1064394). Invitae Evidence Modeling of protein sequence and biophysical properties (such as structural, functional, and spatial information, amino acid conservation, physicochemical variation, residue mobility, and thermodynamic stability) indicates that this missense variant is not expected to disrupt VPS13B protein function with a negative predictive value of 80%. In summary, the available evidence is currently insufficient to determine the role of this variant in disease. Therefore, it has been classified as a Variant of Uncertain Significance.

Mayo Clinic Laboratories, Mayo Clinic
Classification: Uncertain significance. Last evaluated: 2023-05-16. Review status: criteria provided, single submitter. Criteria: ACMG Guidelines, 2015. Collection method: clinical testing. Allele origin: germline. Observed: 1 variant allele.
Comment: BP4

PreventionGenetics, part of Exact Sciences
Classification: Uncertain significance for VPS13B-related condition. Last evaluated: 2024-07-17. Review status: no assertion criteria provided. Collection method: clinical testing. Allele origin: germline. Not counted in ClinVar's aggregate classification.
Comment: The VPS13B c.3692A>G variant is predicted to result in the amino acid substitution p.Asp1231Gly. To our knowledge, this variant has not been reported in the literature. This variant is reported in 0.00088% of alleles in individuals of European (Non-Finnish) descent in gnomAD. At this time, the clinical significance of this variant is uncertain due to the absence of conclusive functional and genetic evidence.

Natera, Inc.
Classification: Uncertain significance for Cohen syndrome. Last evaluated: 2020-06-17. Review status: no assertion criteria provided. Collection method: clinical testing. Allele origin: germline. Not counted in ClinVar's aggregate classification.

NM_152564.5(VPS13B):c.3692A>G (p.Asp1231Gly)

Gene: VPS13B (vacuolar protein sorting 13 homolog B; plus strand). Cytogenetic location: 8q22.2.
Variant type: single nucleotide variant.
Coding change: c.3692A>G on transcript NM_152564.5 (MANE Select); coding-DNA position 3692, A replaced by G.
Protein change: p.Asp1231Gly; replaces aspartic acid 1231 with glycine.
Molecular consequence: missense variant.
Genome position (GRCh38, 1-based): chr8:99,481,624, A>G. VCF-style: chr8-99481624-A-G. GRCh37 (hg19) VCF-style: chr8-100493852-A-G.
Other names: p.Asp1231Gly; c.3692A>G (NM_017890.4, NM_152564.4); c.3692A>G, p.Asp1231Gly (NM_017890.5); short protein forms D1231G.
Identifiers: ClinVar variation 1064394 (VCV001064394.12), dbSNP rs1289522615, ClinGen allele CA371866690.